The following is an entry in ClinVar:

NM_000057.4(BLM):c.482A>G (p.Asp161Gly)

Gene: BLM (BLM RecQ like helicase; plus strand). Cytogenetic location: 15q26.1.
Variant type: single nucleotide variant.
Coding change: c.482A>G on transcript NM_000057.4 (MANE Select); coding-DNA position 482, A replaced by G.
Protein change: p.Asp161Gly; replaces aspartic acid 161 with glycine.
Molecular consequence: missense variant. On other transcripts: 5 prime UTR variant (1).
Genome position (GRCh38, 1-based): chr15:90,749,750, A>G. VCF-style: chr15-90749750-A-G. GRCh37 (hg19) VCF-style: chr15-91292980-A-G.
Other names: c.482A>G, p.Asp161Gly (NM_001287246.2, NM_001287247.2); c.-810A>G (NM_001287248.2); short protein forms D161G.
Identifiers: ClinVar variation 3480895 (VCV003480895.1).

ClinVar aggregate classification (germline): Uncertain significance (1 of 4 stars; one submission).

Conditions:
Hereditary cancer-predisposing syndrome. Also called: Tumor predisposition; Neoplastic Syndromes, Hereditary; Hereditary Cancer Syndrome; Hereditary neoplastic syndrome. Identifiers: Orphanet 140162, MedGen C0027672, MeSH D009386, MONDO:0015356.

Submission:

Ambry Genetics
Classification: Uncertain significance for Hereditary cancer-predisposing syndrome. Last evaluated: 2024-11-03. Review status: criteria provided, single submitter. Criteria: Ambry Variant Classification Scheme 2023. Collection method: clinical testing. Allele origin: germline.
Comment: The p.D161G variant (also known as c.482A>G), located in coding exon 2 of the BLM gene, results from an A to G substitution at nucleotide position 482. The aspartic acid at codon 161 is replaced by glycine, an amino acid with similar properties. This amino acid position is conserved. In addition, the in silico prediction for this alteration is inconclusive. Based on the available evidence, the clinical significance of this variant remains unclear.